The following is an entry in ClinVar:

ClinVar aggregate classification (germline): Likely benign. Review status: criteria provided, single submitter (1 of 4 stars). 2 submissions from 2 submitters: Likely benign (1). 1 of the submissions does not count toward it. Last evaluated 2024-02-29.

Conditions:
HNRNPDL-related disorder. Also called: HNRNPDL-related condition.
Autosomal dominant limb-girdle muscular dystrophy type 1G (LGMDD3). Also called: Limb-girdle muscular dystrophy, type 1G; MUSCULAR DYSTROPHY, LIMB-GIRDLE, AUTOSOMAL DOMINANT 3. Identifiers: Orphanet 55596, MedGen C1836765, MONDO:0012193, OMIM 609115.

Allele frequency attached by ClinVar (database versions not stated): gnomAD 0.00001; gnomAD exomes 0.00001; TOPMed 0.00001; ExAC 0.00002.

Submissions (2):

Labcorp Genetics (formerly Invitae), Labcorp
Classification: Likely benign for Autosomal dominant limb-girdle muscular dystrophy type 1G. Last evaluated: 2024-02-29. Review status: criteria provided, single submitter. Criteria: Invitae Variant Classification Sherloc (09022015). Collection method: clinical testing. Allele origin: germline.

PreventionGenetics, part of Exact Sciences
Classification: Likely benign for HNRNPDL-related condition. Last evaluated: 2023-11-08. Review status: no assertion criteria provided. Collection method: clinical testing. Allele origin: germline. Not counted in ClinVar's aggregate classification.
Comment: This variant is classified as likely benign based on ACMG/AMP sequence variant interpretation guidelines (Richards et al. 2015 PMID: 25741868, with internal and published modifications).

NM_031372.4(HNRNPDL):c.490C>T (p.Leu164=)

Gene: HNRNPDL (heterogeneous nuclear ribonucleoprotein D like; minus strand). Cytogenetic location: 4q21.22.
Variant type: single nucleotide variant.
Coding change: c.490C>T on transcript NM_031372.4 (MANE Select); coding-DNA position 490, C replaced by T.
Protein change: p.Leu164=; no amino-acid change (leucine 164 retained).
Molecular consequence: synonymous variant. On other transcripts: non-coding transcript variant (1).
Genome position (GRCh38, 1-based): chr4:82,428,400, G>A on the plus strand (C>T on the coding strand, the complement: HNRNPDL is on the minus strand). VCF-style: chr4-82428400-G-A. GRCh37 (hg19) VCF-style: chr4-83349553-G-A.
Other names: c.490C>T (NM_031372.3); c.490C>T, p.Leu164= (NM_001207000.1).
Identifiers: ClinVar variation 1596147 (VCV001596147.10), dbSNP rs749078374, ClinGen allele CA2984955.